The following is an entry in ClinVar:

NM_001371242.2(CRYBG1):c.3588G>A (p.Gln1196=)

Gene: CRYBG1 (crystallin beta-gamma domain containing 1; plus strand). Cytogenetic location: 6q21.
Variant type: single nucleotide variant.
Coding change: c.3588G>A on transcript NM_001371242.2 (MANE Select); coding-DNA position 3588, G replaced by A.
Protein change: p.Gln1196=; no amino-acid change (glutamine 1196 retained).
Molecular consequence: synonymous variant.
Genome position (GRCh38, 1-based): chr6:106,520,796, G>A. VCF-style: chr6-106520796-G-A. GRCh37 (hg19) VCF-style: chr6-106968671-G-A.
Other names: c.2364G>A, p.Gln788= (NM_001624.4).
Identifiers: ClinVar variation 2656807 (VCV002656807.24), dbSNP rs61739383, ClinGen allele CA3943390.
Genomic context (GRCh38, chr6:106,520,796, plus strand): 5'-TTTGATGCAGAACCTTGACACAAAATCCAAACTGAGACCCAAACGTGCATCTGCTGAACA[G>A]AGCGTCCTCTTCAAGTCCCTGCACACCAACACTAATGGGAACAGTGAGCCTCTGGTGATG-3'
Protein context (NP_001358171.1, residues 1186-1206): KLRPKRASAE[Gln1196=]SVLFKSLHTN

ClinVar aggregate classification (germline): Likely benign (1 of 4 stars; one submission).

Allele frequency attached by ClinVar (database versions not stated): 1000 Genomes Project 0.00080; 1000 Genomes Project 30x 0.00094; TOPMed 0.00200; gnomAD 0.00244; ExAC 0.00297; ESP Exome Variant Server 0.00331; gnomAD exomes 0.00343.
gnomAD v4.1: 5,385 of 1,614,154 alleles (0.33%); highest among the groups gnomAD compares: Non-Finnish European, 0.38%; 14 homozygotes.

Submission:

CeGaT Center for Human Genetics Tuebingen
Classification: Likely benign. Last evaluated: 2025-08-01. Review status: criteria provided, single submitter. Criteria: CeGaT Center For Human Genetics Tuebingen Variant Classification Criteria Version 2. Collection method: clinical testing. Allele origin: germline. Affected: yes. Observed: 2 variant alleles.
Comment: CRYBG1: BP4, BP7